The following is an entry in ClinVar:

NM_206933.4(USH2A):c.6382T>C (p.Cys2128Arg)

Gene: USH2A (usherin; minus strand). Cytogenetic location: 1q41.
Variant type: single nucleotide variant.
Coding change: c.6382T>C on transcript NM_206933.4 (MANE Select); coding-DNA position 6382, T replaced by C.
Protein change: p.Cys2128Arg; replaces cysteine 2128 with arginine.
Molecular consequence: missense variant.
Genome position (GRCh38, 1-based): chr1:216,000,506, A>G on the plus strand (T>C on the coding strand, the complement: USH2A is on the minus strand). VCF-style: chr1-216000506-A-G. GRCh37 (hg19) VCF-style: chr1-216173848-A-G.
Other names: short protein forms C2128R.
Identifiers: ClinVar variation 2098125 (VCV002098125.4), dbSNP rs2527622805, ClinGen allele CA344861770.

ClinVar aggregate classification (germline): Pathogenic (1 of 4 stars; one submission).

Submission:

Labcorp Genetics (formerly Invitae), Labcorp
Classification: Pathogenic. Last evaluated: 2022-09-24. Review status: criteria provided, single submitter. Criteria: Invitae Variant Classification Sherloc (09022015). Collection method: clinical testing. Allele origin: germline.
Comment: This variant is not present in population databases (gnomAD no frequency). This sequence change replaces cysteine, which is neutral and slightly polar, with arginine, which is basic and polar, at codon 2128 of the USH2A protein (p.Cys2128Arg). This missense change has been observed in individual(s) with clinical features of Usher syndrome (PMID: 32675063). For these reasons, this variant has been classified as Pathogenic. This variant disrupts the p.Cys2128 amino acid residue in USH2A. Other variant(s) that disrupt this residue have been determined to be pathogenic (Invitae). This suggests that this residue is clinically significant, and that variants that disrupt this residue are likely to be disease-causing. Advanced modeling of protein sequence and biophysical properties (such as structural, functional, and spatial information, amino acid conservation, physicochemical variation, residue mobility, and thermodynamic stability) performed at Invitae indicates that this missense variant is expected to disrupt USH2A protein function.

Literature cited by the submitters: PubMed 32675063.